The following is an entry in ClinVar:

NM_177438.3(DICER1):c.5578del (p.Met1860fs)

Gene: DICER1 (dicer 1, ribonuclease III; minus strand). Cytogenetic location: 14q32.13.
Variant type: Deletion.
Coding change: c.5578del on transcript NM_177438.3 (MANE Select); coding-DNA position 5578, one base deleted (A; older notation c.5578delA).
Protein change: p.Met1860fs; shifts the reading frame from methionine 1860.
Molecular consequence: frameshift variant. On other transcripts: non-coding transcript variant (6).
Genome position (GRCh38, 1-based): chr14:95,091,059, T deleted on the plus strand (A on the coding strand, the reverse complement: DICER1 is on the minus strand); the first of 3 consecutive T bases (chr14:95,091,059-95,091,061); deleting any one gives the same sequence. VCF-style (leftmost placement, unchanged base first): chr14-95091058-AT-A. GRCh37 (hg19) VCF-style: chr14-95557395-AT-A.
Other names: c.5415del, p.Lys1805fs (NM_001195573.1); c.5578del, p.Met1860fs (NM_001271282.3, NM_001291628.2, NM_001395677.1 and 7 more transcripts); c.5296del, p.Met1766fs (NM_001395686.1); c.5173del, p.Met1725fs (NM_001395687.1, NM_001395688.1, NM_001395689.1 and 1 more transcripts); c.5011del, p.Met1671fs (NM_001395691.1); c.3895del, p.Met1299fs (NM_001395697.1); c.5578delA (NM_177438.2); short protein forms M1725fs, M1860fs, K1805fs, M1766fs, M1299fs, M1671fs.
Identifiers: ClinVar variation 4011642 (VCV004011642.1).
Genomic context (GRCh38, chr14:95,091,058, plus strand): 5'-AAGTTAATGTTTTTTCCATGTACATTTTTTGCTTACCTAAATTTGGCAGTTTCTGGTTCC[AT>A]TTCAAGCAATTCTCGCACAGGGGAACGGGGTACATTTGCAGAAAACTTTTCTGCAATCAA-3'

ClinVar aggregate classification (germline): Uncertain significance (1 of 4 stars; one submission).

Conditions:
Hereditary cancer-predisposing syndrome. Also called: Tumor predisposition; Hereditary neoplastic syndrome; Neoplastic Syndromes, Hereditary; Hereditary Cancer Syndrome. Identifiers: Orphanet 140162, MedGen C0027672, MeSH D009386, MONDO:0015356.

Submission:

Ambry Genetics
Classification: Uncertain significance for Hereditary cancer-predisposing syndrome. Last evaluated: 2025-05-16. Review status: criteria provided, single submitter. Criteria: Ambry Variant Classification Scheme 2023. Collection method: clinical testing. Allele origin: germline.
Comment: The c.5578delA variant, located in coding exon 25 of the DICER1 gene, results from a deletion of one nucleotide at nucleotide position 5578, causing a translational frameshift with a predicted alternate stop codon (p.M1860Wfs*25). This alteration occurs at the 3' terminus of theDICER1 gene, is not expected to trigger nonsense-mediated mRNAdecay, and impacts the last 3.3% of the protein. The exact functional effect of this alteration is unknown. Based on the available evidence, the clinical significance of this variant remains unclear.